The following is an entry in ClinVar:

ClinVar aggregate classification (germline): Uncertain significance (1 of 4 stars; one submission).

Allele frequency attached by ClinVar (database versions not stated): TOPMed 0.00001; gnomAD 0.00001.

Submission:

Labcorp Genetics (formerly Invitae), Labcorp
Classification: Uncertain significance. Last evaluated: 2021-09-17. Review status: criteria provided, single submitter. Criteria: Invitae Variant Classification Sherloc (09022015). Collection method: clinical testing. Allele origin: germline.
Comment: This sequence change replaces proline with serine at codon 243 of the USH1C protein (p.Pro243Ser). The proline residue is highly conserved and there is a moderate physicochemical difference between proline and serine. This variant is not present in population databases (ExAC no frequency). This variant has not been reported in the literature in individuals with USH1C-related conditions. Algorithms developed to predict the effect of missense changes on protein structure and function (SIFT, PolyPhen-2, Align-GVGD) all suggest that this variant is likely to be tolerated, but these predictions have not been confirmed by published functional studies and their clinical significance is uncertain. In summary, the available evidence is currently insufficient to determine the role of this variant in disease. Therefore, it has been classified as a Variant of Uncertain Significance.

NM_153676.4(USH1C):c.727C>T (p.Pro243Ser)

Gene: USH1C (USH1 protein network component harmonin; minus strand). Cytogenetic location: 11p15.1.
Variant type: single nucleotide variant.
Coding change: c.727C>T on transcript NM_153676.4 (MANE Select); coding-DNA position 727, C replaced by T.
Protein change: p.Pro243Ser; replaces proline 243 with serine.
Molecular consequence: missense variant. On other transcripts: non-coding transcript variant (1).
Genome position (GRCh38, 1-based): chr11:17,524,483, G>A on the plus strand (C>T on the coding strand, the complement: USH1C is on the minus strand). VCF-style: chr11-17524483-G-A. GRCh37 (hg19) VCF-style: chr11-17546030-G-A.
Other names: c.727C>T, p.Pro243Ser (NM_001297764.2, NM_005709.4); short protein forms P243S.
Identifiers: ClinVar variation 1519735 (VCV001519735.5), dbSNP rs1249188126, ClinGen allele CA379790842.
Genomic context (GRCh38, chr11:17,524,483, plus strand): 5'-CCACTGGGGCCGGCCCAGCGTCACTCACCTCCAATCCCACCTCAGCAGACAGGGAGCCAG[G>A]TTTCACATGGCTGATAAAGATGCCAGGCTTCTGGATGGGGCCGCTGGAAATGCTGCGGGA-3'
Protein context (NP_710142.1, residues 233-253): KPGIFISHVK[Pro243Ser]GSLSAEVGLE